The following is an entry in ClinVar:

ClinVar aggregate classification (germline): Uncertain significance (1 of 4 stars; one submission).

Submission:

Labcorp Genetics (formerly Invitae), Labcorp
Classification: Uncertain significance. Last evaluated: 2025-05-12. Review status: criteria provided, single submitter. Criteria: Invitae Variant Classification Sherloc (09022015). Collection method: clinical testing. Allele origin: germline.
Comment: This sequence change replaces arginine, which is basic and polar, with leucine, which is neutral and non-polar, at codon 707 of the PITRM1 protein (p.Arg707Leu). This variant is not present in population databases (gnomAD no frequency). This variant has not been reported in the literature in individuals affected with PITRM1-related conditions. An algorithm developed to predict the effect of missense changes on protein structure and function (PolyPhen-2) suggests that this variant is likely to be tolerated. In summary, the available evidence is currently insufficient to determine the role of this variant in disease. Therefore, it has been classified as a Variant of Uncertain Significance.

NM_014889.4(PITRM1):c.2414G>T (p.Arg805Leu)

Genes: PITRM1 (pitrilysin metallopeptidase 1; minus strand), PITRM1-AS1 (PITRM1 antisense RNA 1; plus strand). Cytogenetic location: 10p15.2.
Variant type: single nucleotide variant.
Coding change: c.2414G>T on transcript NM_014889.4 (MANE Select); coding-DNA position 2414, G replaced by T.
Protein change: p.Arg805Leu; replaces arginine 805 with leucine.
Molecular consequence: missense variant. On other transcripts: non-coding transcript variant (5).
Genome position (GRCh38, 1-based): chr10:3,145,639, C>A on the plus strand (G>T on the coding strand, the complement: PITRM1 is on the minus strand). VCF-style: chr10-3145639-C-A. GRCh37 (hg19) VCF-style: chr10-3187831-C-A.
Other names: c.2417G>T, p.Arg806Leu (NM_001242307.2); c.2120G>T, p.Arg707Leu (NM_001242309.1); c.2216G>T, p.Arg739Leu (NM_001347725.2); c.1601G>T, p.Arg534Leu (NM_001347726.2); c.1799G>T, p.Arg600Leu (NM_001347727.2); c.1109G>T, p.Arg370Leu (NM_001347728.2); c.2390G>T, p.Arg797Leu (NM_001347729.1); c.2192G>T, p.Arg731Leu (NM_001347730.1); short protein forms R370L, R534L, R805L, R806L, R797L, R600L, R707L, R731L.
Identifiers: ClinVar variation 4765051 (VCV004765051.1).